The following is an entry in ClinVar:

NC_000001.10:g.(?_183559271)_(183559464_?)del

Gene: NCF2 (neutrophil cytosolic factor 2; minus strand). Cytogenetic location: 1q25.3.
Variant type: Deletion.
Identifiers: ClinVar variation 3247764 (VCV003247764.1).

ClinVar aggregate classification (germline): Pathogenic (1 of 4 stars; one submission).

Conditions:
Granulomatous disease, chronic, autosomal recessive, cytochrome b-positive, type 2. Also called: CGD, AUTOSOMAL RECESSIVE CYTOCHROME b-POSITIVE, TYPE II; Chronic Granulomatous Disease, Autosomal Recessive, Cytochrome b-Positive, Type II; GRANULOMATOUS DISEASE, CHRONIC, DUE TO NCF2 DEFICIENCY; GRANULOMATOUS DISEASE, CHRONIC, AUTOSOMAL RECESSIVE, 2; Chronic granulomatous disease due to deficiency of NCF-2. Identifiers: Orphanet 379, MedGen C1856245, MONDO:0009310, OMIM 233710.

Submission:

Labcorp Genetics (formerly Invitae), Labcorp
Classification: Pathogenic for Granulomatous disease, chronic, autosomal recessive, cytochrome b-positive, type 2. Last evaluated: 2023-06-27. Review status: criteria provided, single submitter. Criteria: Invitae Variant Classification Sherloc (09022015). Collection method: clinical testing. Allele origin: unknown.
Comment: A similar copy number variant has been observed in individual(s) with chronic granulomatous disease (PMID: 35366317). This variant is a gross deletion of the genomic region encompassing exon(s) 1 of the NCF2 gene, which includes the initiator codon. This deletion extends beyond the assayed region for this gene and therefore may encompass additional genes. It is expected to result in an absent or disrupted protein product. Loss-of-function variants in NCF2 are known to be pathogenic (PMID: 10498624, 20167518). For these reasons, this variant has been classified as Pathogenic.

Literature cited by the submitters: PubMed 35366317; PubMed 10498624; PubMed 20167518.